The following is an entry in ClinVar:

NM_001267550.2(TTN):c.44285G>A (p.Arg14762Gln)

Gene: TTN (titin; minus strand). Cytogenetic location: 2q31.2.
Variant type: single nucleotide variant.
Coding change: c.44285G>A on transcript NM_001267550.2 (MANE Select); coding-DNA position 44285, G replaced by A.
Protein change: p.Arg14762Gln; replaces arginine 14762 with glutamine.
Molecular consequence: missense variant.
Genome position (GRCh38, 1-based): chr2:178,629,440, C>T on the plus strand (G>A on the coding strand, the complement: TTN is on the minus strand). VCF-style: chr2-178629440-C-T. GRCh37 (hg19) VCF-style: chr2-179494167-C-T.
Other names: c.39362G>A, p.Arg13121Gln (NM_001256850.1); c.17090G>A, p.Arg5697Gln (NM_003319.4); c.17465G>A, p.Arg5822Gln (NM_133432.3); c.17666G>A, p.Arg5889Gln (NM_133437.4); c.36581G>A, p.Arg12194Gln (NM_133378.4); short protein forms R12194Q, R14762Q, R5697Q, R5822Q, R13121Q, R5889Q.
Identifiers: ClinVar variation 179647 (VCV000179647.11), dbSNP rs727505019, ClinGen allele CA184838.

ClinVar aggregate classification (germline): Uncertain significance. Review status: criteria provided, multiple submitters, no conflicts (2 of 4 stars). 7 submissions from 3 submitters: Uncertain significance (7). Last evaluated 2017-06-09.

Conditions:
Autosomal recessive limb-girdle muscular dystrophy type 2J (LGMDR10). Also called: MUSCULAR DYSTROPHY, LIMB-GIRDLE, AUTOSOMAL RECESSIVE 10; Limb-girdle muscular dystrophy, type 2J. Identifiers: Orphanet 140922, MedGen C1837342, MONDO:0012127, OMIM 608807.
Dilated cardiomyopathy 1G (CMD1G). Identifiers: Orphanet 154, MedGen C1858763, MONDO:0011400, OMIM 604145.
Early-onset myopathy with fatal cardiomyopathy (CMYO5). Also called: CONGENITAL MYOPATHY 5 WITH CARDIOMYOPATHY; Salih Myopathy. Identifiers: Orphanet 289377, MedGen C2673677, MONDO:0012714, OMIM 611705. Disease mechanism: loss of function.
Tibial muscular dystrophy (TMD). Also called: Tibial muscular dystrophy, tardive; Udd Distal Myopathy – Tibial Muscular Dystrophy; UDD MYOPATHY. Identifiers: Orphanet 609, MedGen C1838244, MONDO:0010870, OMIM 600334.
Myopathy, myofibrillar, 9, with early respiratory failure (MFM9). Also called: Myopathy, distal, with early respiratory failure, autosomal dominant; EDSTROM MYOPATHY; MYOPATHY, PROXIMAL, WITH EARLY RESPIRATORY MUSCLE INVOLVEMENT; Hereditary myopathy with early respiratory failure. Identifiers: Orphanet 178464, Orphanet 34521, MedGen C1863599, MONDO:0011362, OMIM 603689.

Allele frequency attached by ClinVar (database versions not stated): gnomAD 0.00001; TOPMed 0.00001.
gnomAD v4.1: 27 of 1,612,618 alleles (0.0017%); highest among the groups gnomAD compares: South Asian, 0.0033%; no homozygotes.

Submissions (7):

Labcorp Genetics (formerly Invitae), Labcorp
Classification: Uncertain significance for Dilated cardiomyopathy 1G; Autosomal recessive limb-girdle muscular dystrophy type 2J. Last evaluated: 2017-06-09. Review status: criteria provided, single submitter. Criteria: Invitae Variant Classification Sherloc (09022015). Collection method: clinical testing. Allele origin: germline.

Illumina Laboratory Services, Illumina
Classification: Uncertain significance for Dilated cardiomyopathy 1G. Last evaluated: 2017-04-27. Review status: criteria provided, single submitter. Criteria: ICSL Variant Classification Criteria 13 December 2019. Collection method: clinical testing. Allele origin: germline.

Illumina Laboratory Services, Illumina
Classification: Uncertain significance for Myopathy, myofibrillar, 9, with early respiratory failure. Last evaluated: 2017-04-27. Review status: criteria provided, single submitter. Criteria: ICSL Variant Classification Criteria 13 December 2019. Collection method: clinical testing. Allele origin: germline.

Illumina Laboratory Services, Illumina
Classification: Uncertain significance for Autosomal recessive limb-girdle muscular dystrophy type 2J. Last evaluated: 2017-04-27. Review status: criteria provided, single submitter. Criteria: ICSL Variant Classification Criteria 13 December 2019. Collection method: clinical testing. Allele origin: germline.

Illumina Laboratory Services, Illumina
Classification: Uncertain significance for Tibial muscular dystrophy. Last evaluated: 2017-04-27. Review status: criteria provided, single submitter. Criteria: ICSL Variant Classification Criteria 13 December 2019. Collection method: clinical testing. Allele origin: germline.

Illumina Laboratory Services, Illumina
Classification: Uncertain significance for Early-onset myopathy with fatal cardiomyopathy. Last evaluated: 2017-04-27. Review status: criteria provided, single submitter. Criteria: ICSL Variant Classification Criteria 13 December 2019. Collection method: clinical testing. Allele origin: germline.

Laboratory for Molecular Medicine, Mass General Brigham Personalized Medicine
Classification: Uncertain significance. Last evaluated: 2014-05-01. Review status: criteria provided, single submitter. Criteria: LMM Criteria. Collection method: clinical testing. Allele origin: germline. Observed: 1 variant allele.
Comment: The Arg12194Gln variant in TTN has not been previously reported in individuals w ith cardiomyopathy or in large population studies. Computational prediction tool s and conservation analysis suggest that this variant may impact the protein, th ough this information is not predictive enough to determine pathogenicity. In su mmary, the clinical significance of this variant is uncertain.